The following is an entry in ClinVar:

NM_000350.3(ABCA4):c.5573A>G (p.Tyr1858Cys)

Gene: ABCA4 (ATP binding cassette subfamily A member 4; minus strand). Cytogenetic location: 1p22.1.
Variant type: single nucleotide variant.
Coding change: c.5573A>G on transcript NM_000350.3 (MANE Select); coding-DNA position 5573, A replaced by G.
Protein change: p.Tyr1858Cys; replaces tyrosine 1858 with cysteine.
Molecular consequence: missense variant.
Genome position (GRCh38, 1-based): chr1:94,011,273, T>C on the plus strand (A>G on the coding strand, the complement: ABCA4 is on the minus strand). VCF-style: chr1-94011273-T-C. GRCh37 (hg19) VCF-style: chr1-94476829-T-C.
Other names: c.5351A>G, p.Tyr1784Cys (NM_001425324.1); short protein forms Y1858C, Y1784C.
Identifiers: ClinVar variation 1972408 (VCV001972408.29), dbSNP rs766026374, ClinGen allele CA957221.

ClinVar aggregate classification (germline): Conflicting classifications of pathogenicity. Review status: criteria provided, conflicting classifications (1 of 4 stars). 3 submissions from 3 submitters: Likely pathogenic (2); Uncertain significance (1). Last evaluated 2025-09-03.

Allele frequency attached by ClinVar (database versions not stated): ExAC 0.00002.
gnomAD v4.1: 3 of 1,613,938 alleles (0.00019%); highest among the groups gnomAD compares: Admixed American, 0.0017%; no homozygotes.

Submissions (3):

Dasa
Classification: Uncertain significance. Last evaluated: 2025-09-03. Review status: criteria provided, single submitter. Criteria: DASA Assertion Criteria. Collection method: clinical testing. Allele origin: germline.
Comment: NM_000350.3(ABCA4):c.5573A>G (p.Tyr1858Cys) is a missense variant that results in the substitution of tyrosine with cysteine. The affected residue or protein region has prior evidence supporting clinical relevance. This variant is rare in population databases. Computational prediction algorithms are consistent with a deleterious effect. The currently available literature and clinical evidence are not sufficient to establish a definitive association between this variant and the reported condition. Therefore, this variant is classified as a variant of uncertain significance.

CeGaT Center for Human Genetics Tuebingen
Classification: Likely pathogenic. Last evaluated: 2024-01-01. Review status: criteria provided, single submitter. Criteria: CeGaT Center For Human Genetics Tuebingen Variant Classification Criteria Version 2. Collection method: clinical testing. Allele origin: germline. Affected: yes. Observed: 1 variant allele.
Comment: ABCA4: PM1, PM2, PM5

Labcorp Genetics (formerly Invitae), Labcorp
Classification: Likely pathogenic. Last evaluated: 2023-05-20. Review status: criteria provided, single submitter. Criteria: Invitae Variant Classification Sherloc (09022015). Collection method: clinical testing. Allele origin: germline.
Comment: This variant is present in population databases (rs766026374, gnomAD 0.003%). This sequence change replaces tyrosine, which is neutral and polar, with cysteine, which is neutral and slightly polar, at codon 1858 of the ABCA4 protein (p.Tyr1858Cys). This variant has not been reported in the literature in individuals affected with ABCA4-related conditions. In summary, the currently available evidence indicates that the variant is pathogenic, but additional data are needed to prove that conclusively. Therefore, this variant has been classified as Likely Pathogenic. This variant disrupts the p.Tyr1858 amino acid residue in ABCA4. Other variant(s) that disrupt this residue have been determined to be pathogenic (PMID: 28446513; Invitae). This suggests that this residue is clinically significant, and that variants that disrupt this residue are likely to be disease-causing. Algorithms developed to predict the effect of sequence changes on RNA splicing suggest that this variant may create or strengthen a splice site. Advanced modeling of protein sequence and biophysical properties (such as structural, functional, and spatial information, amino acid conservation, physicochemical variation, residue mobility, and thermodynamic stability) performed at Invitae indicates that this missense variant is expected to disrupt ABCA4 protein function. ClinVar contains an entry for this variant (Variation ID: 1972408).

Literature cited by the submitters: PubMed 28446513 (cited by Labcorp Genetics (formerly Invitae), Labcorp).